The following is an entry in ClinVar:

NM_000219.6(KCNE1):c.374C>T (p.Thr125Met)

Gene: KCNE1 (potassium voltage-gated channel subfamily E regulatory subunit 1; minus strand). Cytogenetic location: 21q22.12.
Variant type: single nucleotide variant.
Coding change: c.374C>T on transcript NM_000219.6 (MANE Select); coding-DNA position 374, C replaced by T.
Protein change: p.Thr125Met; replaces threonine 125 with methionine.
Molecular consequence: missense variant.
Genome position (GRCh38, 1-based): chr21:34,449,261, G>A on the plus strand (C>T on the coding strand, the complement: KCNE1 is on the minus strand). VCF-style: chr21-34449261-G-A. GRCh37 (hg19) VCF-style: chr21-35821559-G-A.
Other names: c.374C>T (LRG_290t1); c.374C>T, p.Thr125Met (NM_001127668.4, NM_001127669.4, NM_001127670.4 and 4 more transcripts); short protein forms T125M.
Identifiers: ClinVar variation 132679 (VCV000132679.30), dbSNP rs142511345, ClinGen allele CA176419.

ClinVar aggregate classification (germline): Conflicting classifications of pathogenicity. Review status: criteria provided, conflicting classifications (1 of 4 stars). 12 submissions from 11 submitters: Uncertain significance (2); Likely benign (7). 3 of the submissions do not count toward it. Last evaluated 2026-01-16.

Conditions:
KCNE1-related disorder. Also called: KCNE1-related condition.
Cardiovascular phenotype. Identifiers: MedGen CN230736.
Familial long QT syndrome (RWS). Also called: Congenital long QT syndrome; VENTRICULAR FIBRILLATION WITH PROLONGED QT INTERVAL; Romano-Ward syndrome. Identifiers: Orphanet 768, MedGen C1141890, MONDO:0019171.
Long QT syndrome 5 (LQT5). Identifiers: Orphanet 101016, Orphanet 768, MedGen C1867904, MONDO:0013372, OMIM 613695.
Long QT syndrome (LQTS). Identifiers: MedGen C0023976, MeSH D008133, MONDO:0002442. Disease mechanism: loss of function. Inheritance: Various modes of inheritance.
Jervell and Lange-Nielsen syndrome 2 (JLNS2). Identifiers: Orphanet 768, Orphanet 90647, MedGen C2676723, MONDO:0012871, OMIM 612347.

Allele frequency attached by ClinVar (database versions not stated): 1000 Genomes Project 30x 0.00047; gnomAD exomes 0.00009 and 0.00014; ExAC 0.00017; ESP Exome Variant Server 0.00023; gnomAD 0.00027 and 0.00031; TOPMed 0.00032; 1000 Genomes Project 0.00040.
gnomAD v4.1: 118 of 998,488 alleles (0.012%); highest among the groups gnomAD compares: African/African-American, 0.081%; 1 homozygote.

Submissions (13):

Labcorp Genetics (formerly Invitae), Labcorp
Classification: Likely benign for Long QT syndrome. Last evaluated: 2026-01-16. Review status: criteria provided, single submitter. Criteria: Invitae Variant Classification Sherloc (09022015). Collection method: clinical testing. Allele origin: germline.

Women's Health and Genetics/Laboratory Corporation of America, LabCorp
Classification: Likely benign. Last evaluated: 2026-01-12. Review status: criteria provided, single submitter. Criteria: LabCorp Variant Classification Summary - May 2015. Collection method: clinical testing. Allele origin: germline.
Comment: Variant summary: KCNE1 c.374C>T (p.Thr125Met) results in a non-conservative amino acid change in the encoded protein sequence. Algorithms developed to predict the effect of missense changes on protein structure and function are either unavailable or do not agree on the potential impact of this missense change. The variant allele was found at a frequency of 0.00014 in 250166 control chromosomes, predominantly at a frequency of 0.00087 within the African or African-American subpopulation in the gnomAD database. The observed variant frequency within African or African-American control individuals in the gnomAD database exceeds the estimated maximal expected allele frequency for disease-causing variants in KCNE1. c.374C>T has been observed in individuals affected with Long QT Syndrome without clear evidence for causality (Kapplinger_2009, Roberts_2020). These report(s) do not provide unequivocal conclusions about association of the variant with Long QT Syndrome. To our knowledge, no experimental evidence demonstrating an impact on protein function has been reported. The following publications have been ascertained in the context of this evaluation (PMID: 19716085, 31941373). ClinVar contains an entry for this variant (Variation ID: 132679). Based on the evidence outlined above, the variant was classified as likely benign.

PreventionGenetics, part of Exact Sciences
Classification: Uncertain significance for KCNE1-related condition. Last evaluated: 2025-10-08. Review status: criteria provided, single submitter. Criteria: ACMG Guidelines, 2015. Collection method: clinical testing. Allele origin: germline.
Comment: The KCNE1 c.374C>T variant is predicted to result in the amino acid substitution p.Thr125Met. This variant has been reported in individuals with long QT syndrome (Kapplinger et al. 2009. PubMed ID: 19716085; Roberts et al. 2020. PubMed ID: 31941373). It has also been reported in an individual with dilated cardiomyopathy (Cuenca et al. 2016. PubMed ID: 26899768). In vitro functional studies in HEK 293 cells showed that this variant results in normal function and trafficking (Additional File 6, Muhammad et al. 2024. PubMed ID: 38816749). This variant is reported in 0.077% of alleles in individuals of African descent in gnomAD. At this time, the clinical significance of this variant is uncertain due to the absence of conclusive functional and genetic evidence.

Ambry Genetics
Classification: Likely benign for Cardiovascular phenotype. Last evaluated: 2022-03-28. Review status: criteria provided, single submitter. Criteria: Ambry Variant Classification Scheme 2023. Collection method: clinical testing. Allele origin: germline.

GeneDx
Classification: Likely benign. Last evaluated: 2020-01-29. Review status: criteria provided, single submitter. Criteria: GeneDx Variant Classification Process June 2021. Collection method: clinical testing. Allele origin: germline. Affected: yes.
Comment: In silico analysis, which includes protein predictors and evolutionary conservation, supports that this variant does not alter protein structure/function; This variant is associated with the following publications: (PMID: 24478792, 25637381, 24710009, 19716085, 26899768, 28988457, 29884292, 31941373)

Illumina Laboratory Services, Illumina
Classification: Likely benign for Jervell and Lange-Nielsen syndrome 2. Last evaluated: 2017-04-27. Review status: criteria provided, single submitter. Criteria: ICSL Variant Classification Criteria 13 December 2019. Collection method: clinical testing. Allele origin: germline.
Comment: This variant was observed as part of a predisposition screen in an ostensibly healthy population. A literature search was performed for the gene, cDNA change, and amino acid change (where applicable). No publications were found based on this search. Allele frequency data from public databases allowed determination this variant is unlikely to cause disease. Therefore, this variant is classified as likely benign.

Illumina Laboratory Services, Illumina
Classification: Likely benign for Long QT syndrome 5. Last evaluated: 2017-04-27. Review status: criteria provided, single submitter. Criteria: ICSL Variant Classification Criteria 13 December 2019. Collection method: clinical testing. Allele origin: germline.
Comment: This variant was observed as part of a predisposition screen in an ostensibly healthy population. A literature search was performed for the gene, cDNA change, and amino acid change (where applicable). Publications were found based on this search. The evidence from the literature, in combination with allele frequency data from public databases where available, was sufficient to determine this variant is unlikely to cause disease. Therefore, this variant is classified as likely benign.

CSER _CC_NCGL, University of Washington
Classification: Uncertain significance for Long QT syndrome. Last evaluated: 2014-06-01. Review status: criteria provided, single submitter. Criteria: Amendola et al. (Genome Res. 2015). Collection method: research. Allele origin: germline. Inheritance: Autosomal dominant inheritance. Study: ESP 6500 variant annotation.
Comment: Low GERP score may suggest that this variant may belong in a lower pathogenicity class

Variants classified for the Actionable exomic incidental findings in 6503 participants: challenges of variant classification manuscript

Laboratory for Molecular Medicine, Mass General Brigham Personalized Medicine
Classification: Likely benign. Last evaluated: 2013-08-15. Review status: criteria provided, single submitter. Criteria: LMM Criteria. Collection method: clinical testing. Allele origin: germline. Observed: 1 variant allele.
Comment: Thr125Met in exon 3 of KCNE1: This variant is not expected to have clinical sig nificance because the threonine (Thr) residue at position 125 is not conserved a cross species, with chimpanzee, gorilla, and four additional mammals having a me thionine (Met) at this position.

Cardiovascular Biomedical Research Unit, Royal Brompton & Harefield NHS Foundation Trust
No classification provided. Condition: Familial long QT syndrome. Review status: no classification provided. Collection method: literature only. Allele origin: germline. Not counted in ClinVar's aggregate classification.
Comment: This variant has been reported as associated with Long QT syndrome in the following publications (PMID:19716085). This is a literature report, and does not necessarily reflect the clinical interpretation of the Imperial College / Royal Brompton Cardiovascular Genetics laboratory.

Clinical Genetics DNA and cytogenetics Diagnostics Lab, Erasmus MC, Erasmus Medical Center
Classification: Likely benign. Review status: no assertion criteria provided. Collection method: clinical testing. Allele origin: germline. Affected: yes. Study: VKGL Data-share Consensus. Not counted in ClinVar's aggregate classification.

Clinical Genetics, Academic Medical Center
Classification: Likely benign. Review status: no assertion criteria provided. Collection method: clinical testing. Allele origin: germline. Affected: yes. Study: VKGL Data-share Consensus. Not counted in ClinVar's aggregate classification.

Roden Lab, Vanderbilt University Medical Center
No classification provided (evidence only). Condition: Long QT syndrome 5. Review status: no classification provided. Collection method: in vitro. Allele origin: not applicable. Functional consequence: Effect on ion channel function. Not counted in ClinVar's aggregate classification.
ClinVar note: "not provided" was previously submitted as the classification for the variant. However, the classification appeared to be based only on an observation of functional data so it was converted to no classification on 2025-07-30.

Literature cited by the submitters: PubMed 19716085 (cited by 4 submitters); PubMed 31941373 (cited by Women's Health and Genetics/Laboratory Corporation of America, LabCorp and Ambry Genetics); PubMed 25637381 (cited by Ambry Genetics and Illumina Laboratory Services, Illumina); PubMed 26899768 (cited by Ambry Genetics); PubMed 28988457 (cited by Ambry Genetics); PubMed 34426522 (cited by Ambry Genetics); PubMed 24710009 (cited by Illumina Laboratory Services, Illumina); PubMed 22581653 (cited by Cardiovascular Biomedical Research Unit, Royal Brompton & Harefield NHS Foundation Trust).